The following is an entry in ClinVar:

ClinVar aggregate classification (germline): Conflicting classifications of pathogenicity. Review status: criteria provided, conflicting classifications (1 of 4 stars). 6 submissions from 6 submitters: Uncertain significance (3); Benign (1); Likely benign (2). Last evaluated 2025-10-29.

Conditions:
Cardiovascular phenotype. Identifiers: MedGen CN230736.
Hereditary cancer-predisposing syndrome. Also called: Neoplastic Syndromes, Hereditary; Tumor predisposition; Hereditary Cancer Syndrome; Hereditary neoplastic syndrome. Identifiers: Orphanet 140162, MedGen C0027672, MeSH D009386, MONDO:0015356.
Neurofibromatosis, type 1 (NF1). Also called: VON RECKLINGHAUSEN DISEASE; NEUROFIBROMATOSIS, TYPE I, SOMATIC; Peripheral type neurofibromatosis; Neurofibromatosis, type I. Identifiers: Orphanet 636, MedGen C0027831, MONDO:0018975, OMIM 162200. Disease mechanism: loss of function.

Allele frequency attached by ClinVar (database versions not stated): TOPMed 0.00001; ExAC 0.00002; gnomAD exomes 0.00002 and 0.00003.
gnomAD v4.1: 29 of 1,613,860 alleles (0.0018%); highest among the groups gnomAD compares: Admixed American, 0.01%; no homozygotes.

Submissions (6):

Labcorp Genetics (formerly Invitae), Labcorp
Classification: Benign for Neurofibromatosis, type 1. Last evaluated: 2025-10-29. Review status: criteria provided, single submitter. Criteria: Invitae Variant Classification Sherloc (09022015). Collection method: clinical testing. Allele origin: germline.

Quest Diagnostics Nichols Institute San Juan Capistrano
Classification: Uncertain significance. Last evaluated: 2025-10-08. Review status: criteria provided, single submitter. Criteria: Quest Diagnostics criteria. Collection method: clinical testing. Allele origin: unknown.

Ambry Genetics
Classification: Likely benign for Cardiovascular phenotype; Hereditary cancer-predisposing syndrome. Last evaluated: 2022-05-27. Review status: criteria provided, single submitter. Criteria: Ambry Variant Classification Scheme 2023. Collection method: clinical testing. Allele origin: germline.

Genome-Nilou Lab
Classification: Uncertain significance for Neurofibromatosis, type 1. Last evaluated: 2022-03-15. Review status: criteria provided, single submitter. Criteria: ACMG Guidelines, 2015. Collection method: clinical testing. Allele origin: germline. Affected: no.

Sema4
Classification: Uncertain significance for Hereditary cancer-predisposing syndrome. Last evaluated: 2021-08-26. Review status: criteria provided, single submitter. Criteria: Sema4 Curation Guidelines. Collection method: curation. Allele origin: germline.
Comment: The NF1 c.4122G>T (p.Q1374H) variant has been reported in heterozygosity in at least one individual with breast cancer (PMID: 33471991). It was observed in 4/34580 chromosomes of the Latino subpopulation in the large and broad cohorts of the Genome Aggregation Database (PMID: 32461654). The variant has been reported in ClinVar (Variation ID 216403). Functional studies have not been performed, and in silico predictions of the variant's effect on protein function are inconclusive. The evidence is insufficient to meet ACMG/AMP criteria for classifying the variant as benign or pathogenic. Thus, the clinical significance of this variant is currently uncertain.

Blueprint Genetics
Classification: Likely benign. Last evaluated: 2021-08-25. Review status: criteria provided, single submitter. Criteria: ACMG Guidelines, 2015. Collection method: clinical testing. Allele origin: germline.

Literature cited by the submitters: PubMed 33471991 (cited by Sema4).

NM_001042492.3(NF1):c.4185G>T (p.Gln1395His)

Gene: NF1 (neurofibromin 1; plus strand). Cytogenetic location: 17q11.2.
Variant type: single nucleotide variant.
Coding change: c.4185G>T on transcript NM_001042492.3 (MANE Select); coding-DNA position 4185, G replaced by T.
Protein change: p.Gln1395His; replaces glutamine 1395 with histidine.
Molecular consequence: missense variant.
Genome position (GRCh38, 1-based): chr17:31,258,355, G>T. VCF-style: chr17-31258355-G-T. GRCh37 (hg19) VCF-style: chr17-29585373-G-T.
Other names: c.4122G>T, p.Gln1374His (NM_000267.4); short protein forms Q1374H, Q1395H.
Identifiers: ClinVar variation 216403 (VCV000216403.18), dbSNP rs775206746, ClinGen allele CA336092.